The following is an entry in ClinVar:

NM_005121.3(MED13):c.2439A>G (p.Glu813=)

Gene: MED13 (mediator complex subunit 13; minus strand). Cytogenetic location: 17q23.2.
Variant type: single nucleotide variant.
Coding change: c.2439A>G on transcript NM_005121.3 (MANE Select); coding-DNA position 2439, A replaced by G.
Protein change: p.Glu813=; no amino-acid change (glutamic acid 813 retained).
Molecular consequence: synonymous variant.
Genome position (GRCh38, 1-based): chr17:61,985,037, T>C on the plus strand (A>G on the coding strand, the complement: MED13 is on the minus strand). VCF-style: chr17-61985037-T-C. GRCh37 (hg19) VCF-style: chr17-60062398-T-C.
Identifiers: ClinVar variation 3046408 (VCV003046408.15), dbSNP rs866924135, ClinGen allele CA292814990.

ClinVar aggregate classification (germline): Likely benign. Review status: criteria provided, single submitter (1 of 4 stars). 2 submissions from 2 submitters: Likely benign (1). 1 of the submissions does not count toward it. Last evaluated 2025-08-01.

Conditions:
MED13-related disorder. Also called: MED13-related condition.

Allele frequency attached by ClinVar (database versions not stated): gnomAD exomes 0.00001.
gnomAD v4.1: 10 of 1,614,084 alleles (0.00062%); highest among the groups gnomAD compares: Middle Eastern, 0.083%; no homozygotes.

Submissions (2):

CeGaT Center for Human Genetics Tuebingen
Classification: Likely benign. Last evaluated: 2025-08-01. Review status: criteria provided, single submitter. Criteria: CeGaT Center For Human Genetics Tuebingen Variant Classification Criteria Version 2. Collection method: clinical testing. Allele origin: germline. Affected: yes. Observed: 2 variant alleles.
Comment: MED13: BP4, BP7

PreventionGenetics, part of Exact Sciences
Classification: Likely benign for MED13-related condition. Last evaluated: 2019-02-19. Review status: no assertion criteria provided. Collection method: clinical testing. Allele origin: germline. Not counted in ClinVar's aggregate classification.
Comment: This variant is classified as likely benign based on ACMG/AMP sequence variant interpretation guidelines (Richards et al. 2015 PMID: 25741868, with internal and published modifications).